The following is an entry in ClinVar:

ClinVar aggregate classification (germline): Uncertain significance. Review status: criteria provided, multiple submitters, no conflicts (2 of 4 stars). 2 submissions from 2 submitters: Uncertain significance (2). Last evaluated 2024-12-23.

Allele frequency attached by ClinVar (database versions not stated): gnomAD exomes 0.00002; ExAC 0.00004; TOPMed 0.00004; gnomAD 0.00005; ESP Exome Variant Server 0.00008; 1000 Genomes Project 0.00020; 1000 Genomes Project 30x 0.00031.
gnomAD v4.1: 40 of 1,614,046 alleles (0.0025%); highest among the groups gnomAD compares: African/African-American, 0.0067%; no homozygotes.

Submissions (2):

Labcorp Genetics (formerly Invitae), Labcorp
Classification: Uncertain significance. Last evaluated: 2024-12-23. Review status: criteria provided, single submitter. Criteria: Invitae Variant Classification Sherloc (09022015). Collection method: clinical testing. Allele origin: germline.
Comment: This sequence change replaces arginine, which is basic and polar, with cysteine, which is neutral and slightly polar, at codon 237 of the KIAA1549 protein (p.Arg237Cys). This variant is present in population databases (rs376519473, gnomAD 0.007%). This variant has not been reported in the literature in individuals affected with KIAA1549-related conditions. ClinVar contains an entry for this variant (Variation ID: 1910145). An algorithm developed to predict the effect of missense changes on protein structure and function (PolyPhen-2) suggests that this variant¬†is likely to be tolerated. In summary, the available evidence is currently insufficient to determine the role of this variant in disease. Therefore, it has been classified as a Variant of Uncertain Significance.

Blueprint Genetics
Classification: Uncertain significance. Last evaluated: 2023-07-26. Review status: criteria provided, single submitter. Criteria: ACMG Guidelines, 2015. Collection method: clinical testing. Allele origin: germline.

NM_001164665.2(KIAA1549):c.709C>T (p.Arg237Cys)

Gene: KIAA1549 (KIAA1549; minus strand). Cytogenetic location: 7q34.
Variant type: single nucleotide variant.
Coding change: c.709C>T on transcript NM_001164665.2 (MANE Select); coding-DNA position 709, C replaced by T.
Protein change: p.Arg237Cys; replaces arginine 237 with cysteine.
Molecular consequence: missense variant.
Genome position (GRCh38, 1-based): chr7:138,918,917, G>A on the plus strand (C>T on the coding strand, the complement: KIAA1549 is on the minus strand). VCF-style: chr7-138918917-G-A. GRCh37 (hg19) VCF-style: chr7-138603663-G-A.
Other names: c.709C>T, p.Arg237Cys (NM_020910.3); short protein forms R237C.
Identifiers: ClinVar variation 1910145 (VCV001910145.4), dbSNP rs376519473, ClinGen allele CA4506884.